The following is an entry in ClinVar:

ClinVar aggregate classification (germline): Likely benign (0 of 4 stars; one submission).

Conditions:
FYB1-related disorder. Also called: FYB1-related condition.

Allele frequency attached by ClinVar (database versions not stated): gnomAD 0.00005; ESP Exome Variant Server 0.00008; TOPMed 0.00008.
gnomAD v4.1: 80 of 1,613,902 alleles (0.005%); highest among the groups gnomAD compares: East Asian, 0.027%; no homozygotes.

Submission:

PreventionGenetics, part of Exact Sciences
Classification: Likely benign for FYB1-related condition. Last evaluated: 2019-04-12. Review status: no assertion criteria provided. Collection method: clinical testing. Allele origin: germline.
Comment: This variant is classified as likely benign based on ACMG/AMP sequence variant interpretation guidelines (Richards et al. 2015 PMID: 25741868, with internal and published modifications).

NM_001465.6(FYB1):c.804G>A (p.Ala268=)

Gene: FYB1 (FYN binding protein 1; minus strand). Cytogenetic location: 5p13.1.
Variant type: single nucleotide variant.
Coding change: c.804G>A on transcript NM_001465.6 (MANE Select); coding-DNA position 804, G replaced by A.
Protein change: p.Ala268=; no amino-acid change (alanine 268 retained).
Molecular consequence: synonymous variant.
Genome position (GRCh38, 1-based): chr5:39,202,157, C>T on the plus strand (G>A on the coding strand, the complement: FYB1 is on the minus strand). VCF-style: chr5-39202157-C-T. GRCh37 (hg19) VCF-style: chr5-39202259-C-T.
Other names: c.834G>A, p.Ala278= (NM_001243093.2, NM_018594.2); c.804G>A, p.Ala268= (NM_001349333.2, NM_199335.5).
Identifiers: ClinVar variation 3059425 (VCV003059425.2), dbSNP rs371334972, ClinGen allele CA3246412.